The following is an entry in ClinVar:

ClinVar aggregate classification (germline): Uncertain significance (1 of 4 stars; one submission).

Conditions:
Early Myoclonic Encephalopathy. Identifiers: MedGen C0270855.

Submission:

Labcorp Genetics (formerly Invitae), Labcorp
Classification: Uncertain significance for Early Myoclonic Encephalopathy. Last evaluated: 2019-10-11. Review status: criteria provided, single submitter. Criteria: Invitae Variant Classification Sherloc (09022015). Collection method: clinical testing. Allele origin: germline.
Comment: This sequence change replaces aspartic acid with valine at codon 323 of the JMJD1C protein (p.Asp323Val). The aspartic acid residue is moderately conserved and there is a large physicochemical difference between aspartic acid and valine. This variant is not present in population databases (ExAC no frequency). This variant has not been reported in the literature in individuals with JMJD1C-related conditions. Algorithms developed to predict the effect of missense changes on protein structure and function are either unavailable or do not agree on the potential impact of this missense change (SIFT: "Deleterious"; PolyPhen-2: "Probably Damaging"; Align-GVGD: "Class C0"). In summary, the available evidence is currently insufficient to determine the role of this variant in disease. Therefore, it has been classified as a Variant of Uncertain Significance.

NM_032776.3(JMJD1C):c.968A>T (p.Asp323Val)

Gene: JMJD1C (jumonji domain containing 1C; minus strand). Cytogenetic location: 10q21.3.
Variant type: single nucleotide variant.
Coding change: c.968A>T on transcript NM_032776.3 (MANE Select); coding-DNA position 968, A replaced by T.
Protein change: p.Asp323Val; replaces aspartic acid 323 with valine.
Molecular consequence: missense variant. On other transcripts: non-coding transcript variant (1).
Genome position (GRCh38, 1-based): chr10:63,215,310, T>A on the plus strand (A>T on the coding strand, the complement: JMJD1C is on the minus strand). VCF-style: chr10-63215310-T-A. GRCh37 (hg19) VCF-style: chr10-64975070-T-A.
Other names: c.422A>T, p.Asp141Val (NM_001282948.2, NM_001318154.2); c.104A>T, p.Asp35Val (NM_001318153.2); c.854A>T, p.Asp285Val (NM_001322252.2); c.311A>T, p.Asp104Val (NM_001322254.2, NM_001322258.2); short protein forms D141V, D285V, D323V, D35V, D104V.
Identifiers: ClinVar variation 965169 (VCV000965169.9), dbSNP rs1847852382, ClinGen allele CA377051044.